The following is an entry in ClinVar:

NM_001844.5(COL2A1):c.107A>G (p.Gln36Arg)

Gene: COL2A1 (collagen type II alpha 1 chain; minus strand). Cytogenetic location: 12q13.11.
Variant type: single nucleotide variant.
Coding change: c.107A>G on transcript NM_001844.5 (MANE Select); coding-DNA position 107, A replaced by G.
Protein change: p.Gln36Arg; replaces glutamine 36 with arginine.
Molecular consequence: missense variant. On other transcripts: intron variant (1).
Genome position (GRCh38, 1-based): chr12:48,000,104, T>C on the plus strand (A>G on the coding strand, the complement: COL2A1 is on the minus strand). VCF-style: chr12-48000104-T-C. GRCh37 (hg19) VCF-style: chr12-48393887-T-C.
Other names: c.86-1673A>G (NM_033150.3); short protein forms Q36R.
Identifiers: ClinVar variation 4801170 (VCV004801170.1).
Genomic context (GRCh38, chr12:48,000,104, plus strand): 5'-ACACAGATCCGGCAGGGCTCCGGCTTCCACACATCCTTATCATTATACCTCTGCCCATCC[T>C]GCACACAGCTGCCAGCCTCCTCTGCACCAAGGGTGGGGAGGGAGAAGCAGAGAGCCAAGG-3'
Protein context (NP_001835.3, residues 26-46): QDVQEAGSCV[Gln36Arg]DGQRYNDKDV

ClinVar aggregate classification (germline): Uncertain significance (1 of 4 stars; one submission).

Submission:

Labcorp Genetics (formerly Invitae), Labcorp
Classification: Uncertain significance. Last evaluated: 2025-02-10. Review status: criteria provided, single submitter. Criteria: Invitae Variant Classification Sherloc (09022015). Collection method: clinical testing. Allele origin: germline.
Comment: This sequence change replaces glutamine, which is neutral and polar, with arginine, which is basic and polar, at codon 36 of the COL2A1 protein (p.Gln36Arg). This variant is not present in population databases (gnomAD no frequency). This variant has not been reported in the literature in individuals affected with COL2A1-related conditions. Invitae Evidence Modeling of protein sequence and biophysical properties (such as structural, functional, and spatial information, amino acid conservation, physicochemical variation, residue mobility, and thermodynamic stability) indicates that this missense variant is not expected to disrupt COL2A1 protein function with a negative predictive value of 95%. In summary, the available evidence is currently insufficient to determine the role of this variant in disease. Therefore, it has been classified as a Variant of Uncertain Significance.